The following is an entry in ClinVar:

NM_001385641.1(SAMD11):c.2483G>T (p.Gly828Val)

Gene: SAMD11 (sterile alpha motif domain containing 11; plus strand). Cytogenetic location: 1p36.33.
Variant type: single nucleotide variant.
Coding change: c.2483G>T on transcript NM_001385641.1 (MANE Select); coding-DNA position 2483, G replaced by T.
Protein change: p.Gly828Val; replaces glycine 828 with valine.
Molecular consequence: missense variant.
Genome position (GRCh38, 1-based): chr1:944,101, G>T. VCF-style: chr1-944101-G-T. GRCh37 (hg19) VCF-style: chr1-879481-G-T.
Other names: c.2486G>T, p.Gly829Val (NM_001385640.1); c.1994G>T, p.Gly665Val (NM_152486.4); short protein forms G665V, G828V, G829V.
Identifiers: ClinVar variation 834376 (VCV000834376.8), dbSNP rs113383096, ClinGen allele CA337819862.

ClinVar aggregate classification (germline): Uncertain significance. Review status: criteria provided, multiple submitters, no conflicts (2 of 4 stars). 2 submissions from 2 submitters: Uncertain significance (2). Last evaluated 2024-07-17.

Allele frequency attached by ClinVar (database versions not stated): TOPMed 0.00001.
gnomAD v4.1: 16 of 1,609,284 alleles (0.00099%); highest among the groups gnomAD compares: Middle Eastern, 0.017%; no homozygotes.

Submissions (2):

Blueprint Genetics
Classification: Uncertain significance. Last evaluated: 2024-07-17. Review status: criteria provided, single submitter. Criteria: ACMG Guidelines, 2015. Collection method: clinical testing. Allele origin: germline.

Labcorp Genetics (formerly Invitae), Labcorp
Classification: Uncertain significance. Last evaluated: 2022-08-22. Review status: criteria provided, single submitter. Criteria: Invitae Variant Classification Sherloc (09022015). Collection method: clinical testing. Allele origin: germline.
Comment: This sequence change replaces glycine, which is neutral and non-polar, with valine, which is neutral and non-polar, at codon 665 of the SAMD11 protein (p.Gly665Val). This variant is present in population databases (no rsID available, gnomAD 0.001%). This variant has not been reported in the literature in individuals affected with SAMD11-related conditions. ClinVar contains an entry for this variant (Variation ID: 834376). Algorithms developed to predict the effect of missense changes on protein structure and function are either unavailable or do not agree on the potential impact of this missense change (SIFT: "Deleterious"; PolyPhen-2: "Probably Damaging"; Align-GVGD: "Class C0"). Algorithms developed to predict the effect of sequence changes on RNA splicing suggest that this variant may create or strengthen a splice site. In summary, the available evidence is currently insufficient to determine the role of this variant in disease. Therefore, it has been classified as a Variant of Uncertain Significance.